The following is an entry in ClinVar:

ClinVar aggregate classification (germline): Uncertain significance (1 of 4 stars; one submission).

Submission:

Labcorp Genetics (formerly Invitae), Labcorp
Classification: Uncertain significance. Last evaluated: 2025-06-12. Review status: criteria provided, single submitter. Criteria: Invitae Variant Classification Sherloc (09022015). Collection method: clinical testing. Allele origin: germline.
Comment: This sequence change replaces proline, which is neutral and non-polar, with alanine, which is neutral and non-polar, at codon 267 of the UTP4 protein (p.Pro267Ala). This variant is not present in population databases (gnomAD no frequency). This variant has not been reported in the literature in individuals affected with UTP4-related conditions. ClinVar contains an entry for this variant (Variation ID: 2717613). Invitae Evidence Modeling of protein sequence and biophysical properties (such as structural, functional, and spatial information, amino acid conservation, physicochemical variation, residue mobility, and thermodynamic stability) indicates that this missense variant is not expected to disrupt UTP4 protein function with a negative predictive value of 80%. In summary, the available evidence is currently insufficient to determine the role of this variant in disease. Therefore, it has been classified as a Variant of Uncertain Significance.

NM_032830.3(UTP4):c.799C>G (p.Pro267Ala)

Gene: UTP4 (UTP4 small subunit processome component). Cytogenetic location: 16q22.1.
Variant type: single nucleotide variant.
Coding change: c.799C>G on transcript NM_032830.3 (MANE Select); coding-DNA position 799, C replaced by G.
Protein change: p.Pro267Ala; replaces proline 267 with alanine.
Molecular consequence: missense variant.
Genome position (GRCh38, 1-based): chr16:69,150,597, C>G. VCF-style: chr16-69150597-C-G. GRCh37 (hg19) VCF-style: chr16-69184500-C-G.
Other names: c.550C>G, p.Pro184Ala (NM_001318391.2); short protein forms P267A, P184A.
Identifiers: ClinVar variation 2717613 (VCV002717613.3), dbSNP rs2544400632, ClinGen allele CA396498896.
Genomic context (GRCh38, chr16:69,150,597, plus strand): 5'-CAAGAAGACAGTTTCGTGGTGGGCACAGCCGAGGGAACAGTCTTCCATTTTCAGCTGGTC[C>G]CTGTGACATCTAACAGCAGTGAGAAGCAGTGGGTGCGGACAAAACCGTTCCAGCATCACA-3'
Protein context (NP_116219.2, residues 257-277): EGTVFHFQLV[Pro267Ala]VTSNSSEKQW